The following is an entry in ClinVar:

ClinVar aggregate classification (germline): Pathogenic (1 of 4 stars; one submission).

Conditions:
Neutral lipid storage myopathy (NLSDM). Also called: NEUTRAL LIPID STORAGE DISEASE WITHOUT ICHTHYOSIS. Identifiers: Orphanet 98908, MedGen C1853136, MONDO:0012545, OMIM 610717.

Submission:

Labcorp Genetics (formerly Invitae), Labcorp
Classification: Pathogenic for Neutral lipid storage myopathy. Last evaluated: 2025-09-28. Review status: criteria provided, single submitter. Criteria: Invitae Variant Classification Sherloc (09022015). Collection method: clinical testing. Allele origin: germline.
Comment: This sequence change creates a premature translational stop signal (p.Gly63Valfs*29) in the PNPLA2 gene. It is expected to result in an absent or disrupted protein product. Loss-of-function variants in PNPLA2 are known to be pathogenic (PMID: 17187067). This variant is not present in population databases (gnomAD no frequency). This variant has not been reported in the literature in individuals affected with PNPLA2-related conditions. Algorithms developed to predict the effect of sequence changes on RNA splicing suggest that this variant may disrupt the consensus splice site. For these reasons, this variant has been classified as Pathogenic.

Literature cited by the submitters: PubMed 17187067.

NC_000011.10:g.821628del

Gene: PNPLA2 (patatin like domain 2, triacylglycerol lipase; plus strand). Cytogenetic location: 11p15.5.
Variant type: Deletion.
Genome position: GRCh38 VCF-style: chr11-821626-AG-A. GRCh37 (hg19) VCF-style: chr11-821626-AG-A.
Identifiers: ClinVar variation 4762000 (VCV004762000.1).